The following is an entry in ClinVar:

ClinVar aggregate classification (germline): Pathogenic. Review status: criteria provided, multiple submitters, no conflicts (2 of 4 stars). 5 submissions from 5 submitters: Pathogenic (4). 1 of the submissions does not count toward it. Last evaluated 2025-02-12.

Conditions:
Sanfilippo syndrome. Also called: Mucopolysaccharidosis type 3; Sanfilippo disease; Mucopolysaccharidosis Type III. Identifiers: Orphanet 581, MedGen C0026706, MONDO:0018937.
Mucopolysaccharidosis, MPS-III-D (MPS3D). Also called: MPS IIID (Sanfilippo Syndrome Type D); MUCOPOLYSACCHARIDOSIS, TYPE IIID; N-ACETYLGLUCOSAMINE-6-SULFATASE DEFICIENCY; SANFILIPPO SYNDROME D; Mucopoly-saccharidosis type 3D; N-acetylglucosamine-6-sulfate sulfatase deficiency. Identifiers: Orphanet 581, Orphanet 79272, MedGen C0086650, MONDO:0009658, OMIM 252940.

Allele frequency attached by ClinVar (database versions not stated): TOPMed below 0.00001; gnomAD exomes below 0.00001.
gnomAD v4.1: 9 of 1,601,344 alleles (0.00056%); highest among the groups gnomAD compares: South Asian, 0.0055%; no homozygotes.

Submissions (5):

Natera, Inc.
Classification: Pathogenic for Sanfilippo disease. Last evaluated: 2025-02-12. Review status: criteria provided, single submitter. Criteria: Natera Variant Classification Schema (03/2026). Collection method: clinical testing. Allele origin: germline.
Comment: The c.1063C>T variant in GNS is a nonsense variant predicted to introduce a stop codon at amino acid 355. This variant is expected to result in nonsense mediated decay, truncation, or a dysfunctional protein product. This variant is rare in the general population with a frequency below the threshold expected for the associated phenotype(s). This variant has been observed in one or more individuals affected with the associated recessive disease, as either homozygous or compound heterozygous with a second variant (PMID: 12573255). Given the available evidence, this variant is classified as Pathogenic.

Fulgent Genetics
Classification: Pathogenic for Mucopolysaccharidosis, MPS-III-D. Last evaluated: 2024-05-05. Review status: criteria provided, single submitter. Criteria: ACMG Guidelines, 2015. Collection method: clinical testing. Allele origin: germline.

GeneDx
Classification: Pathogenic. Last evaluated: 2023-01-11. Review status: criteria provided, single submitter. Criteria: GeneDx Variant Classification Process June 2021. Collection method: clinical testing. Allele origin: germline. Affected: yes.
Comment: Multiple functional studies performed using patient-derived cell lines demonstrated no N-acetylglucosamine 6-sulfatase activity in cells homozygous for this variant (Pierzynowska et al., 2020; Wang et al., 2021; Gaffke et al., 2022); Nonsense variant predicted to result in protein truncation or nonsense mediated decay in a gene for which loss of function is a known mechanism of disease; Not observed at significant frequency in large population cohorts (gnomAD); This variant is associated with the following publications: (PMID: 25525159, 32944950, 12573255, 34928474, 33195185, 33320673, 32366041, 34828358)

Labcorp Genetics (formerly Invitae), Labcorp
Classification: Pathogenic for Mucopolysaccharidosis, MPS-III-D. Last evaluated: 2022-11-01. Review status: criteria provided, single submitter. Criteria: Invitae Variant Classification Sherloc (09022015). Collection method: clinical testing. Allele origin: germline.
Comment: This premature translational stop signal has been observed in individual(s) with mucopolysaccharidosis type III (PMID: 12573255). For these reasons, this variant has been classified as Pathogenic. ClinVar contains an entry for this variant (Variation ID: 2932). This sequence change creates a premature translational stop signal (p.Arg355*) in the GNS gene. It is expected to result in an absent or disrupted protein product. Loss-of-function variants in GNS are known to be pathogenic (PMID: 20232353). This variant is present in population databases (rs119461974, gnomAD 0.0009%).

OMIM
Classification: Pathogenic for MUCOPOLYSACCHARIDOSIS, TYPE IIID. Last evaluated: 2003-01-01. Review status: no assertion criteria provided. Collection method: literature only. Allele origin: germline. Not counted in ClinVar's aggregate classification.

Literature cited by the submitters: PubMed 12573255 (cited by 3 submitters); PubMed 20232353 (cited by Labcorp Genetics (formerly Invitae), Labcorp); PubMed 6450420 (cited by OMIM).

NM_002076.4(GNS):c.1063C>T (p.Arg355Ter)

Gene: GNS (glucosamine (N-acetyl)-6-sulfatase; minus strand). Cytogenetic location: 12q14.3.
Variant type: single nucleotide variant.
Coding change: c.1063C>T on transcript NM_002076.4 (MANE Select); coding-DNA position 1063, C replaced by T.
Protein change: p.Arg355Ter; replaces arginine 355 with a stop codon.
Molecular consequence: nonsense.
Genome position (GRCh38, 1-based): chr12:64,737,039, G>A on the plus strand (C>T on the coding strand, the complement: GNS is on the minus strand). VCF-style: chr12-64737039-G-A. GRCh37 (hg19) VCF-style: chr12-65130819-G-A.
Other names: c.1063C>T (NM_002076.3); short protein forms R355*.
Identifiers: ClinVar variation 2932 (VCV000002932.9), dbSNP rs119461974, ClinGen allele CA115882.